The following is an entry in ClinVar:

NM_003690.5(PRKRA):c.233C>A (p.Thr78Lys)

Gene: PRKRA (protein activator of interferon induced protein kinase EIF2AK2; minus strand). Cytogenetic location: 2q31.2.
Variant type: single nucleotide variant.
Coding change: c.233C>A on transcript NM_003690.5 (MANE Select); coding-DNA position 233, C replaced by A.
Protein change: p.Thr78Lys; replaces threonine 78 with lysine.
Molecular consequence: missense variant. On other transcripts: 5 prime UTR variant (1).
Genome position (GRCh38, 1-based): chr2:178,450,244, G>T on the plus strand (C>A on the coding strand, the complement: PRKRA is on the minus strand). VCF-style: chr2-178450244-G-T. GRCh37 (hg19) VCF-style: chr2-179314971-G-T.
Other names: c.200C>A, p.Thr67Lys (NM_001139517.2); c.158C>A, p.Thr53Lys (NM_001139518.2); c.-217C>A (NM_001316362.2); short protein forms T53K, T67K, T78K.
Identifiers: ClinVar variation 836776 (VCV000836776.7), dbSNP rs189979808, ClinGen allele CA1984019.

ClinVar aggregate classification (germline): Uncertain significance (1 of 4 stars; one submission).

Conditions:
Dystonia 16 (DYT16). Also called: DYT-PRKRA. Identifiers: Orphanet 210571, MedGen C2677567, MONDO:0012789, OMIM 612067.

Allele frequency attached by ClinVar (database versions not stated): TOPMed 0.00002; ExAC 0.00003; 1000 Genomes Project 0.00060; 1000 Genomes Project 30x 0.00062; gnomAD exomes 0.00001 and 0.00002; gnomAD 0.00009 and 0.00008.
gnomAD v4.1: 33 of 1,614,260 alleles (0.002%); highest among the groups gnomAD compares: Admixed American, 0.033%; no homozygotes.

Submission:

Labcorp Genetics (formerly Invitae), Labcorp
Classification: Uncertain significance for Dystonia 16. Last evaluated: 2022-09-01. Review status: criteria provided, single submitter. Criteria: Invitae Variant Classification Sherloc (09022015). Collection method: clinical testing. Allele origin: germline.
Comment: This sequence change replaces threonine, which is neutral and polar, with lysine, which is basic and polar, at codon 78 of the PRKRA protein (p.Thr78Lys). This variant is present in population databases (rs189979808, gnomAD 0.007%). This variant has not been reported in the literature in individuals affected with PRKRA-related conditions. ClinVar contains an entry for this variant (Variation ID: 836776). Algorithms developed to predict the effect of missense changes on protein structure and function output the following: SIFT: "Tolerated"; PolyPhen-2: "Possibly Damaging"; Align-GVGD: "Class C0". The lysine amino acid residue is found in multiple mammalian species, which suggests that this missense change does not adversely affect protein function. In summary, the available evidence is currently insufficient to determine the role of this variant in disease. Therefore, it has been classified as a Variant of Uncertain Significance.